The following is an entry in ClinVar:

ClinVar aggregate classification (germline): Pathogenic (1 of 4 stars; one submission).

Conditions:
Hereditary spastic paraplegia 4. Also called: Spastic paraplegia 4, autosomal dominant; Familial spastic paraplegia autosomal dominant 2; Spastic Paraplegia 4. Identifiers: Orphanet 100985, MedGen C1866855, MONDO:0008438, OMIM 182601.

Allele frequency attached by ClinVar (database versions not stated): gnomAD exomes below 0.00001.
gnomAD v4.1: 1 of 1,602,960 alleles (0.000062%); highest among the groups gnomAD compares: Non-Finnish European, 0.000085%; no homozygotes.

Submission:

Labcorp Genetics (formerly Invitae), Labcorp
Classification: Pathogenic for Hereditary spastic paraplegia 4. Last evaluated: 2022-07-30. Review status: criteria provided, single submitter. Criteria: Invitae Variant Classification Sherloc (09022015). Collection method: clinical testing. Allele origin: germline.
Comment: For these reasons, this variant has been classified as Pathogenic. Algorithms developed to predict the effect of sequence changes on RNA splicing suggest that this variant may disrupt the consensus splice site. Disruption of this splice site has been observed in individuals with hereditary spastic paraplegia (PMID: 29907907, 30476002). This variant is not present in population databases (gnomAD no frequency). This sequence change affects an acceptor splice site in intron 7 of the SPAST gene. It is expected to disrupt RNA splicing. Variants that disrupt the donor or acceptor splice site typically lead to a loss of protein function (PMID: 16199547), and loss-of-function variants in SPAST are known to be pathogenic (PMID: 20932283).

Literature cited by the submitters: PubMed 29907907; PubMed 30476002; PubMed 16199547; PubMed 20932283.

NM_014946.4(SPAST):c.1099-1G>C

Gene: SPAST (spastin; plus strand). Cytogenetic location: 2p22.3.
Variant type: single nucleotide variant.
Coding change: c.1099-1G>C on transcript NM_014946.4 (MANE Select); the canonical splice acceptor site of the intron before coding-DNA position 1099, G replaced by C.
Molecular consequence: splice acceptor variant.
Genome position (GRCh38, 1-based): chr2:32,126,947, G>C. VCF-style: chr2-32126947-G-C. GRCh37 (hg19) VCF-style: chr2-32352016-G-C.
Other names: c.1003-1G>C (NM_199436.2, NM_001377959.1); c.1096-1G>C (NM_001363823.2); c.1000-1G>C (NM_001363875.2).
Identifiers: ClinVar variation 2117804 (VCV002117804.4), dbSNP rs2148744884, ClinGen allele CA346501188.